The following is an entry in ClinVar:

NM_203486.3(DLL3):c.181A>G (p.Arg61Gly)

Gene: DLL3 (delta like canonical Notch ligand 3; plus strand). Cytogenetic location: 19q13.2.
Variant type: single nucleotide variant.
Coding change: c.181A>G on transcript NM_203486.3 (MANE Select); coding-DNA position 181, A replaced by G.
Protein change: p.Arg61Gly; replaces arginine 61 with glycine.
Molecular consequence: missense variant.
Genome position (GRCh38, 1-based): chr19:39,499,303, A>G. VCF-style: chr19-39499303-A-G. GRCh37 (hg19) VCF-style: chr19-39989943-A-G.
Other names: c.181A>G, p.Arg61Gly (NM_016941.4); short protein forms R61G.
Identifiers: ClinVar variation 1959420 (VCV001959420.4), dbSNP rs1472639734, ClinGen allele CA405793491.

ClinVar aggregate classification (germline): Uncertain significance (1 of 4 stars; one submission).

Allele frequency attached by ClinVar (database versions not stated): gnomAD 0.00001; gnomAD exomes below 0.00001; 1000 Genomes Project 30x 0.00031.
gnomAD v4.1: 4 of 1,544,120 alleles (0.00026%); highest among the groups gnomAD compares: Admixed American, 0.0078%; no homozygotes.

Submission:

Labcorp Genetics (formerly Invitae), Labcorp
Classification: Uncertain significance. Last evaluated: 2025-08-18. Review status: criteria provided, single submitter. Criteria: Invitae Variant Classification Sherloc (09022015). Collection method: clinical testing. Allele origin: germline.
Comment: This sequence change replaces arginine, which is basic and polar, with glycine, which is neutral and non-polar, at codon 61 of the DLL3 protein (p.Arg61Gly). The frequency data for this variant in the population databases is considered unreliable, as metrics indicate poor data quality at this position in the gnomAD database. This variant has not been reported in the literature in individuals affected with DLL3-related conditions. ClinVar contains an entry for this variant (Variation ID: 1959420). An algorithm developed to predict the effect of missense changes on protein structure and function (PolyPhen-2) suggests that this variant is likely to be disruptive. In summary, the available evidence is currently insufficient to determine the role of this variant in disease. Therefore, it has been classified as a Variant of Uncertain Significance.